The following is an entry in ClinVar:

NM_001876.4(CPT1A):c.310G>A (p.Val104Met)

Gene: CPT1A (carnitine palmitoyltransferase 1A; minus strand). Cytogenetic location: 11q13.3.
Variant type: single nucleotide variant.
Coding change: c.310G>A on transcript NM_001876.4 (MANE Select); coding-DNA position 310, G replaced by A.
Protein change: p.Val104Met; replaces valine 104 with methionine.
Molecular consequence: missense variant.
Genome position (GRCh38, 1-based): chr11:68,807,610, C>T on the plus strand (G>A on the coding strand, the complement: CPT1A is on the minus strand). VCF-style: chr11-68807610-C-T. GRCh37 (hg19) VCF-style: chr11-68575078-C-T.
Other names: c.310G>A, p.Val104Met (NM_001031847.3); short protein forms V104M.
Identifiers: ClinVar variation 2062403 (VCV002062403.1), dbSNP rs112097985, ClinGen allele CA6152709.

ClinVar aggregate classification (germline): Uncertain significance (1 of 4 stars; one submission).

Conditions:
Carnitine palmitoyl transferase 1A deficiency. Also called: Carnitine palmitoyltransferase type I deficiency; CPT I DEFICIENCY; CPT DEFICIENCY, HEPATIC, TYPE I; Carnitine palmitoyltransferase 1A deficiency; CPT deficiency, hepatic, type IA. Identifiers: Orphanet 156, MedGen C1829703, MONDO:0009705, OMIM 255120.

Allele frequency attached by ClinVar (database versions not stated): TOPMed 0.00001; ExAC 0.00002; gnomAD exomes 0.00002; gnomAD 0.00004; ESP Exome Variant Server 0.00008; 1000 Genomes Project 0.00040; 1000 Genomes Project 30x 0.00047.
gnomAD v4.1: 31 of 1,614,150 alleles (0.0019%); highest among the groups gnomAD compares: African/African-American, 0.017%; no homozygotes.

Submission:

Labcorp Genetics (formerly Invitae), Labcorp
Classification: Uncertain significance for Carnitine palmitoyl transferase 1A deficiency. Last evaluated: 2022-08-23. Review status: criteria provided, single submitter. Criteria: Invitae Variant Classification Sherloc (09022015). Collection method: clinical testing. Allele origin: germline.
Comment: This sequence change replaces valine, which is neutral and non-polar, with methionine, which is neutral and non-polar, at codon 104 of the CPT1A protein (p.Val104Met). This variant is present in population databases (rs112097985, gnomAD 0.01%). This variant has not been reported in the literature in individuals affected with CPT1A-related conditions. Algorithms developed to predict the effect of missense changes on protein structure and function are either unavailable or do not agree on the potential impact of this missense change (SIFT: "Deleterious"; PolyPhen-2: "Benign"; Align-GVGD: "Class C0"). In summary, the available evidence is currently insufficient to determine the role of this variant in disease. Therefore, it has been classified as a Variant of Uncertain Significance.